The following is an entry in ClinVar:

ClinVar aggregate classification (germline): Uncertain significance (1 of 4 stars; one submission).

Conditions:
Cardiovascular phenotype. Identifiers: MedGen CN230736.

Submission:

Ambry Genetics
Classification: Uncertain significance for Cardiovascular phenotype. Last evaluated: 2026-05-23. Review status: criteria provided, single submitter. Criteria: Ambry Variant Classification Scheme 2023. Collection method: clinical testing. Allele origin: germline.
Comment: The p.A374T variant (also known as c.1120G>A), located in coding exon 2 of the GDF2 gene, results from a G to A substitution at nucleotide position 1120. The alanine at codon 374 is replaced by threonine, an amino acid with similar properties. This amino acid position is conserved. Based on the available evidence, the clinical significance of this variant remains unclear.

NM_016204.4(GDF2):c.1120G>A (p.Ala374Thr)

Gene: GDF2 (growth differentiation factor 2; plus strand). Cytogenetic location: 10q11.22.
Variant type: single nucleotide variant.
Coding change: c.1120G>A on transcript NM_016204.4 (MANE Select); coding-DNA position 1120, G replaced by A.
Protein change: p.Ala374Thr; replaces alanine 374 with threonine.
Molecular consequence: missense variant.
Genome position (GRCh38, 1-based): chr10:47,325,614, G>A. VCF-style: chr10-47325614-G-A. GRCh37 (hg19) VCF-style: chr10-48413748-C-T.
Other names: short protein forms A374T.
Identifiers: ClinVar variation 4857922 (VCV004857922.1).